The following is an entry in ClinVar:

ClinVar aggregate classification (germline): Uncertain significance (1 of 4 stars; one submission).

Conditions:
Genitopatellar syndrome (GTPTS). Also called: ABSENT PATELLAE, SCROTAL HYPOPLASIA, RENAL ANOMALIES, FACIAL DYSMORPHISM, AND MENTAL RETARDATION; Genitopatellar syndrome (GPS). Identifiers: Orphanet 85201, MedGen C1853566, MONDO:0011640, OMIM 606170.

Submission:

Labcorp Genetics (formerly Invitae), Labcorp
Classification: Uncertain significance for Genitopatellar syndrome. Last evaluated: 2024-08-31. Review status: criteria provided, single submitter. Criteria: Invitae Variant Classification Sherloc (09022015). Collection method: clinical testing. Allele origin: germline.
Comment: This sequence change replaces aspartic acid, which is acidic and polar, with valine, which is neutral and non-polar, at codon 394 of the KAT6B protein (p.Asp394Val). This variant is not present in population databases (gnomAD no frequency). This variant has not been reported in the literature in individuals affected with KAT6B-related conditions. Invitae Evidence Modeling of protein sequence and biophysical properties (such as structural, functional, and spatial information, amino acid conservation, physicochemical variation, residue mobility, and thermodynamic stability) has been performed for this missense variant. However, the output from this modeling did not meet the statistical confidence thresholds required to predict the impact of this variant on KAT6B protein function. In summary, the available evidence is currently insufficient to determine the role of this variant in disease. Therefore, it has been classified as a Variant of Uncertain Significance.

NM_012330.4(KAT6B):c.1181A>T (p.Asp394Val)

Gene: KAT6B (lysine acetyltransferase 6B; plus strand). Cytogenetic location: 10q22.2.
Variant type: single nucleotide variant.
Coding change: c.1181A>T on transcript NM_012330.4 (MANE Select); coding-DNA position 1181, A replaced by T.
Protein change: p.Asp394Val; replaces aspartic acid 394 with valine.
Molecular consequence: missense variant. On other transcripts: intron variant (11).
Genome position (GRCh38, 1-based): chr10:74,975,518, A>T. VCF-style: chr10-74975518-A-T. GRCh37 (hg19) VCF-style: chr10-76735276-A-T.
Other names: c.1181A>T, p.Asp394Val (NM_001256468.2, NM_001370136.1, NM_001370137.1 and 1 more transcripts); c.1117+64A>T (NM_001370139.1, NM_001370140.1, NM_001370141.1 and 3 more transcripts); c.846+5743A>T (NM_001370133.1); c.193-3706A>T (NM_001370134.1); c.929-1798A>T (NM_001370143.1, NM_001370144.1); c.193-13501A>T (NM_001370135.1); short protein forms D394V.
Identifiers: ClinVar variation 3706254 (VCV003706254.2).
Genomic context (GRCh38, chr10:74,975,518, plus strand): 5'-GGGGTCAAAAGACTAAAGTCTGTACCACACCTTCATCTGGTCATGCTGCATCTGGGAAGG[A>T]CTCAAGCAGCAGATTGGCTGTTACAGACCCCACTCGGCCTGGTGCCACCACCAAAATCAC-3'
Protein context (NP_036462.2, residues 384-404): PSSGHAASGK[Asp394Val]SSSRLAVTDP